The following is an entry in ClinVar:

ClinVar aggregate classification (germline): Uncertain significance (1 of 4 stars; one submission).

Conditions:
Pitt-Hopkins-like syndrome 2 (PTHSL2). Identifiers: Orphanet 221150, Orphanet 600663, MedGen C3280479, MONDO:0013690, OMIM 614325.

Submission:

Labcorp Genetics (formerly Invitae), Labcorp
Classification: Uncertain significance for Pitt-Hopkins-like syndrome 2. Last evaluated: 2025-10-07. Review status: criteria provided, single submitter. Criteria: Invitae Variant Classification Sherloc (09022015). Collection method: clinical testing. Allele origin: germline.
Comment: This sequence change replaces phenylalanine, which is neutral and non-polar, with leucine, which is neutral and non-polar, at codon 154 of the NRXN1 protein (p.Phe154Leu). This variant is not present in population databases (gnomAD no frequency). This variant has not been reported in the literature in individuals affected with NRXN1-related conditions. An algorithm developed to predict the effect of missense changes on protein structure and function (PolyPhen-2) suggests that this variant is likely to be tolerated. In summary, the available evidence is currently insufficient to determine the role of this variant in disease. Therefore, it has been classified as a Variant of Uncertain Significance.

NM_001330078.2(NRXN1):c.462C>A (p.Phe154Leu)

Gene: NRXN1 (neurexin 1; minus strand). Cytogenetic location: 2p16.3.
Variant type: single nucleotide variant.
Coding change: c.462C>A on transcript NM_001330078.2 (MANE Select); coding-DNA position 462, C replaced by A.
Protein change: p.Phe154Leu; replaces phenylalanine 154 with leucine.
Molecular consequence: missense variant.
Genome position (GRCh38, 1-based): chr2:51,027,812, G>T on the plus strand (C>A on the coding strand, the complement: NRXN1 is on the minus strand). VCF-style: chr2-51027812-G-T. GRCh37 (hg19) VCF-style: chr2-51254950-G-T.
Other names: c.462C>A, p.Phe154Leu (NM_001330077.2, NM_001330079.2, NM_001330081.2 and 15 more transcripts); short protein forms F154L.
Identifiers: ClinVar variation 4728624 (VCV004728624.1).